The following is an entry in ClinVar:

ClinVar aggregate classification (germline): Benign/Likely benign. Review status: criteria provided, multiple submitters, no conflicts (2 of 4 stars). 5 submissions from 5 submitters: Benign (1); Likely benign (3). 1 of the submissions does not count toward it. Last evaluated 2025-10-08.

Allele frequency attached by ClinVar (database versions not stated): gnomAD exomes 0.00018 and 0.00041; ExAC 0.00050; ESP Exome Variant Server 0.00123; 1000 Genomes Project 0.00140; gnomAD 0.00144 and 0.00153; TOPMed 0.00152; 1000 Genomes Project 30x 0.00172.
gnomAD v4.1: 512 of 1,614,100 alleles (0.032%); highest among the groups gnomAD compares: African/African-American, 0.49%; 2 homozygotes.

Submissions (5):

Labcorp Genetics (formerly Invitae), Labcorp
Classification: Benign. Last evaluated: 2025-10-08. Review status: criteria provided, single submitter. Criteria: Invitae Variant Classification Sherloc (09022015). Collection method: clinical testing. Allele origin: germline.

Mayo Clinic Laboratories, Mayo Clinic
Classification: Likely benign. Last evaluated: 2025-09-20. Review status: criteria provided, single submitter. Criteria: ACMG Guidelines, 2015. Collection method: clinical testing. Allele origin: germline. Observed: 2 variant alleles.
Comment: BS1, BP4, BP7

Blueprint Genetics
Classification: Likely benign. Last evaluated: 2024-10-18. Review status: criteria provided, single submitter. Criteria: ACMG Guidelines, 2015. Collection method: clinical testing. Allele origin: germline.

CeGaT Center for Human Genetics Tuebingen
Classification: Likely benign. Last evaluated: 2023-02-01. Review status: criteria provided, single submitter. Criteria: CeGaT Center For Human Genetics Tuebingen Variant Classification Criteria Version 2. Collection method: clinical testing. Allele origin: germline. Affected: yes. Observed: 1 variant allele.
Comment: IFT54: BP4, BP7

Genetic Services Laboratory, University of Chicago
Classification: Likely benign. Last evaluated: 2022-05-10. Review status: no assertion criteria provided. Collection method: clinical testing. Allele origin: germline. Affected: no. Not counted in ClinVar's aggregate classification.

NM_015650.4(IFT54):c.165C>T (p.Asp55=)

Gene: IFT54 (intraflagellar transport 54; plus strand). Cytogenetic location: 2q37.3.
Variant type: single nucleotide variant.
Coding change: c.165C>T on transcript NM_015650.4 (MANE Select); coding-DNA position 165, C replaced by T.
Protein change: p.Asp55=; no amino-acid change (aspartic acid 55 retained).
Molecular consequence: synonymous variant.
Genome position (GRCh38, 1-based): chr2:238,325,347, C>T. VCF-style: chr2-238325347-C-T. GRCh37 (hg19) VCF-style: chr2-239233988-C-T.
Other names: p.Asp55=; c.165C>T, p.Asp55= (NM_001139490.1).
Identifiers: ClinVar variation 743149 (VCV000743149.38), dbSNP rs138861670, ClinGen allele CA2197961.